The following is an entry in ClinVar:

NM_000489.6(ATRX):c.727T>C (p.Cys243Arg)

Gene: ATRX (ATRX chromatin remodeler; minus strand). Cytogenetic location: Xq21.1.
Variant type: single nucleotide variant.
Coding change: c.727T>C on transcript NM_000489.6 (MANE Select); coding-DNA position 727, T replaced by C.
Protein change: p.Cys243Arg; replaces cysteine 243 with arginine.
Molecular consequence: missense variant.
Genome position (GRCh38, 1-based): chrX:77,684,529, A>G on the plus strand (T>C on the coding strand, the complement: ATRX is on the minus strand). VCF-style: chrX-77684529-A-G. GRCh37 (hg19) VCF-style: chrX-76940021-A-G.
Other names: c.613T>C, p.Cys205Arg (NM_138270.5); short protein forms C205R, C243R.
Identifiers: ClinVar variation 4063628 (VCV004063628.2).
Genomic context (GRCh38, chrX:77,684,529, plus strand): 5'-ATTGGTTGTTTTCATCCATTATTGTGGACAACTCCTTTCGACCAAGGTTGCGTAGAATGC[A>G]TTTCTTGCAGAAAGCATTATGGCAAAAGTCACAACAAATCAAGTTTCCACCTTCCGCACA-3'
Protein context (NP_000480.3, residues 233-253): DFCHNAFCKK[Cys243Arg]ILRNLGRKEL

ClinVar aggregate classification (germline): Likely pathogenic (1 of 4 stars; one submission).

Conditions:
Alpha thalassemia-X-linked intellectual disability syndrome (ATRX). Also called: ALPHA-THALASSEMIA/MENTAL RETARDATION SYNDROME, X-LINKED; ATR, NONDELETION TYPE; ATR-X syndrome; Alpha thalassemia mental retardation syndrome, nondeletion type, X-linked; XLMR hypotonic face syndrome; X-linked alpha-thalassemia-mental retardation syndrome. Identifiers: Orphanet 847, MedGen C1845055, MONDO:0010519, OMIM 301040.

Submission:

Natera, Inc.
Classification: Likely pathogenic for X-linked alpha-thalassemia-mental retardation syndrome. Last evaluated: 2025-02-11. Review status: criteria provided, single submitter. Criteria: Natera Variant Classification Schema (03/2026). Collection method: clinical testing. Allele origin: germline.
Comment: The c.727T>C variant in ATRX is a missense variant predicted to cause substitution of cysteine to arginine at amino acid 243. This variant is rare in the general population with a frequency below the threshold expected for the associated phenotype(s). This variant is located in a functionally critical region of the protein. Computational prediction algorithms indicate this variant is likely to affect gene or protein function. Given the available evidence, this variant is classified as Likely Pathogenic.